The following is an entry in ClinVar:

NM_001029896.2(WDR45):c.911C>T (p.Ala304Val)

Gene: WDR45 (WD repeat domain 45; minus strand). Cytogenetic location: Xp11.23.
Variant type: single nucleotide variant.
Coding change: c.911C>T on transcript NM_001029896.2 (MANE Select); coding-DNA position 911, C replaced by T.
Protein change: p.Ala304Val; replaces alanine 304 with valine.
Molecular consequence: missense variant.
Genome position (GRCh38, 1-based): chrX:49,075,198, G>A on the plus strand (C>T on the coding strand, the complement: WDR45 is on the minus strand). VCF-style: chrX-49075198-G-A. GRCh37 (hg19) VCF-style: chrX-48932857-G-A.
Other names: c.914C>T, p.Ala305Val (NM_007075.4); short protein forms A304V, A305V.
Identifiers: ClinVar variation 945016 (VCV000945016.9), dbSNP rs2065029178, ClinGen allele CA412942091.

ClinVar aggregate classification (germline): Uncertain significance (1 of 4 stars; one submission).

Conditions:
Neurodegeneration with brain iron accumulation 5 (NBIA5). Also called: Beta-propeller protein-associated neurodegeneration; STATIC ENCEPHALOPATHY OF CHILDHOOD WITH NEURODEGENERATION IN ADULTHOOD. Identifiers: Orphanet 329284, MedGen C3550973, MONDO:0010476, OMIM 300894.

Allele frequency attached by ClinVar (database versions not stated): gnomAD exomes below 0.00001.
gnomAD v4.1: 1 of 1,212,438 alleles (0.000082%); highest among the groups gnomAD compares: Non-Finnish European, 0.00011%; no homozygotes.

Submission:

Labcorp Genetics (formerly Invitae), Labcorp
Classification: Uncertain significance for Neurodegeneration with brain iron accumulation 5. Last evaluated: 2022-07-19. Review status: criteria provided, single submitter. Criteria: Invitae Variant Classification Sherloc (09022015). Collection method: clinical testing. Allele origin: germline.
Comment: In summary, the available evidence is currently insufficient to determine the role of this variant in disease. Therefore, it has been classified as a Variant of Uncertain Significance. Algorithms developed to predict the effect of missense changes on protein structure and function (SIFT, PolyPhen-2, Align-GVGD) all suggest that this variant is likely to be tolerated. ClinVar contains an entry for this variant (Variation ID: 945016). This variant has not been reported in the literature in individuals affected with WDR45-related conditions. This variant is not present in population databases (gnomAD no frequency). This sequence change replaces alanine, which is neutral and non-polar, with valine, which is neutral and non-polar, at codon 305 of the WDR45 protein (p.Ala305Val).